The following is an entry in ClinVar:

ClinVar aggregate classification (germline): Conflicting classifications of pathogenicity. Review status: criteria provided, conflicting classifications (1 of 4 stars). 2 submissions from 2 submitters: Uncertain significance (1); Likely benign (1). Last evaluated 2026-02-06.

Conditions:
Mitochondrial complex II deficiency, nuclear type 1. Also called: SUCCINATE CoQ REDUCTASE DEFICIENCY. Identifiers: Orphanet 3208, MedGen C5700310, MONDO:0100294, OMIM 252011.
Pheochromocytoma/paraganglioma syndrome 5. Also called: Paragangliomas 5; SDHA-Related Hereditary Paraganglioma-Pheochromocytoma Syndrome. Identifiers: Orphanet 29072, MedGen C3279992, MONDO:0013602, OMIM 614165.
Hereditary cancer-predisposing syndrome. Also called: Neoplastic Syndromes, Hereditary; Hereditary Cancer Syndrome; Hereditary neoplastic syndrome; Tumor predisposition. Identifiers: Orphanet 140162, MedGen C0027672, MeSH D009386, MONDO:0015356.

Submissions (2):

Ambry Genetics
Classification: Likely benign for Hereditary cancer-predisposing syndrome. Last evaluated: 2026-02-06. Review status: criteria provided, single submitter. Criteria: Ambry Variant Classification Scheme 2023. Collection method: clinical testing. Allele origin: germline.

Labcorp Genetics (formerly Invitae), Labcorp
Classification: Uncertain significance for Pheochromocytoma/paraganglioma syndrome 5; Mitochondrial complex II deficiency, nuclear type 1. Last evaluated: 2025-10-15. Review status: criteria provided, single submitter. Criteria: Invitae Variant Classification Sherloc (09022015). Collection method: clinical testing. Allele origin: germline.
Comment: This sequence change replaces aspartic acid, which is acidic and polar, with asparagine, which is neutral and polar, at codon 503 of the SDHA protein (p.Asp503Asn). This variant is not present in population databases (gnomAD no frequency). This variant has not been reported in the literature in individuals affected with SDHA-related conditions. ClinVar contains an entry for this variant (Variation ID: 1492452). Invitae Evidence Modeling of protein sequence and biophysical properties (such as structural, functional, and spatial information, amino acid conservation, physicochemical variation, residue mobility, and thermodynamic stability) indicates that this missense variant is not expected to disrupt SDHA protein function with a negative predictive value of 95%. In summary, the available evidence is currently insufficient to determine the role of this variant in disease. Therefore, it has been classified as a Variant of Uncertain Significance.

NM_004168.4(SDHA):c.1507G>A (p.Asp503Asn)

Gene: SDHA (succinate dehydrogenase complex flavoprotein subunit A; plus strand). Cytogenetic location: 5p15.33.
Variant type: single nucleotide variant.
Coding change: c.1507G>A on transcript NM_004168.4 (MANE Select); coding-DNA position 1507, G replaced by A.
Protein change: p.Asp503Asn; replaces aspartic acid 503 with asparagine.
Molecular consequence: missense variant.
Genome position (GRCh38, 1-based): chr5:240,432, G>A. VCF-style: chr5-240432-G-A. GRCh37 (hg19) VCF-style: chr5-240547-G-A.
Other names: c.1363G>A, p.Asp455Asn (NM_001294332.2); c.1507G>A, p.Asp503Asn (NM_001330758.2); c.1507G>A (NM_004168.2); short protein forms D455N, D503N.
Identifiers: ClinVar variation 1492452 (VCV001492452.10), dbSNP rs2126602837, ClinGen allele CA359014318.
Genomic context (GRCh38, chr5:240,432, plus strand): 5'-CCAATTAAACCAAACGCTGGGGAAGAATCTGTCATGAATCTTGACAAATTGAGATTTGCT[G>A]ATGGAAGCATAAGAACATCGGAACTGCGACTCAGCATGCAGAAGGTAAGAGCCTGGACTC-3'
Protein context (NP_004159.2, residues 493-513): VMNLDKLRFA[Asp503Asn]GSIRTSELRL